The following is an entry in ClinVar:

ClinVar aggregate classification (germline): Uncertain significance (1 of 4 stars; one submission).

Allele frequency attached by ClinVar (database versions not stated): gnomAD exomes below 0.00001 and 0.00001; gnomAD 0.00001; TOPMed 0.00001.
gnomAD v4.1: 19 of 1,614,122 alleles (0.0012%); highest among the groups gnomAD compares: Middle Eastern, 0.016%; no homozygotes.

Submission:

Labcorp Genetics (formerly Invitae), Labcorp
Classification: Uncertain significance. Last evaluated: 2021-12-10. Review status: criteria provided, single submitter. Criteria: Invitae Variant Classification Sherloc (09022015). Collection method: clinical testing. Allele origin: germline.
Comment: In summary, the available evidence is currently insufficient to determine the role of this variant in disease. Therefore, it has been classified as a Variant of Uncertain Significance. Algorithms developed to predict the effect of missense changes on protein structure and function are either unavailable or do not agree on the potential impact of this missense change (SIFT: "Deleterious"; PolyPhen-2: "Possibly Damaging"; Align-GVGD: "Class C0"). This variant has not been reported in the literature in individuals affected with LRRK1-related conditions. This variant is present in population databases (no rsID available, gnomAD 0.0009%). This sequence change replaces leucine, which is neutral and non-polar, with arginine, which is basic and polar, at codon 630 of the LRRK1 protein (p.Leu630Arg).

NM_024652.6(LRRK1):c.1889T>G (p.Leu630Arg)

Gene: LRRK1 (leucine rich repeat kinase 1; plus strand). Cytogenetic location: 15q26.3.
Variant type: single nucleotide variant.
Coding change: c.1889T>G on transcript NM_024652.6 (MANE Select); coding-DNA position 1889, T replaced by G.
Protein change: p.Leu630Arg; replaces leucine 630 with arginine.
Molecular consequence: missense variant.
Genome position (GRCh38, 1-based): chr15:101,022,419, T>G. VCF-style: chr15-101022419-T-G. GRCh37 (hg19) VCF-style: chr15-101562624-T-G.
Other names: short protein forms L630R.
Identifiers: ClinVar variation 1391211 (VCV001391211.6), dbSNP rs1006607984, ClinGen allele CA275631441.